The following is an entry in ClinVar:

NM_203446.3(SYNJ1):c.2242C>T (p.Gln748Ter)

Gene: SYNJ1 (synaptojanin 1; minus strand). Cytogenetic location: 21q22.11.
Variant type: single nucleotide variant.
Coding change: c.2242C>T on transcript NM_203446.3 (MANE Select); coding-DNA position 2242, C replaced by T.
Protein change: p.Gln748Ter; replaces glutamine 748 with a stop codon.
Molecular consequence: nonsense.
Genome position (GRCh38, 1-based): chr21:32,664,975, G>A on the plus strand (C>T on the coding strand, the complement: SYNJ1 is on the minus strand). VCF-style: chr21-32664975-G-A. GRCh37 (hg19) VCF-style: chr21-34037285-G-A.
Other names: p.Gln787*; c.2242C>T, p.Gln748Ter (NM_001160302.2); c.2227C>T, p.Gln743Ter (NM_001160306.2); c.2359C>T, p.Gln787Ter (NM_003895.4); short protein forms Q743*, Q748*, Q787*.
Identifiers: ClinVar variation 2576973 (VCV002576973.4), dbSNP rs2517619244, ClinGen allele CA410077214.

ClinVar aggregate classification (germline): Pathogenic/Likely pathogenic. Review status: criteria provided, multiple submitters, no conflicts (2 of 4 stars). 2 submissions from 2 submitters: Pathogenic (1); Likely pathogenic (1). Last evaluated 2023-09-24.

Conditions:
Early-onset Parkinson disease 20. Also called: PARKINSON DISEASE 20, AUTOSOMAL RECESSIVE EARLY-ONSET. Identifiers: Orphanet 391411, MedGen C3809824, MONDO:0014233, OMIM 615530.
Developmental and epileptic encephalopathy, 53. Also called: Epileptic encephalopathy, early infantile, 53. Identifiers: MedGen C4479313, MONDO:0033362, OMIM 617389.

Allele frequency attached by ClinVar (database versions not stated): gnomAD exomes below 0.00001.
gnomAD v4.1: 3 of 1,613,408 alleles (0.00019%); highest among the groups gnomAD compares: Non-Finnish European, 0.00025%; no homozygotes.

Submissions (2):

Labcorp Genetics (formerly Invitae), Labcorp
Classification: Pathogenic for Developmental and epileptic encephalopathy, 53; Early-onset Parkinson disease 20. Last evaluated: 2023-09-24. Review status: criteria provided, single submitter. Criteria: Invitae Variant Classification Sherloc (09022015). Collection method: clinical testing. Allele origin: germline.
Comment: This sequence change creates a premature translational stop signal (p.Gln787*) in the SYNJ1 gene. It is expected to result in an absent or disrupted protein product. Loss-of-function variants in SYNJ1 are known to be pathogenic (PMID: 25316601, 27435091). This variant is not present in population databases (gnomAD no frequency). This variant has not been reported in the literature in individuals affected with SYNJ1-related conditions. ClinVar contains an entry for this variant (Variation ID: 2576973). For these reasons, this variant has been classified as Pathogenic.

Molecular Diagnostics Laboratory, M Health Fairview: University of Minnesota
Classification: Likely pathogenic for Early-onset Parkinson disease 20. Last evaluated: 2023-05-23. Review status: criteria provided, single submitter. Criteria: ACMG Guidelines, 2015. Collection method: clinical testing. Allele origin: germline. Affected: yes.

Literature cited by the submitters: PubMed 25316601 (cited by Labcorp Genetics (formerly Invitae), Labcorp); PubMed 27435091 (cited by Labcorp Genetics (formerly Invitae), Labcorp).